The following is an entry in ClinVar:

ClinVar aggregate classification (germline): Likely benign (1 of 4 stars; one submission).

Allele frequency attached by ClinVar (database versions not stated): 1000 Genomes Project 0.00291; 1000 Genomes Project 30x 0.00333; TOPMed 0.01139.
gnomAD v4.1: 1,294 of 112,325 alleles (1.2%); highest among the groups gnomAD compares: Non-Finnish European, 1.8%; 13 homozygotes.

Submission:

GeneDx
Classification: Likely benign. Last evaluated: 2018-06-14. Review status: criteria provided, single submitter. Criteria: GeneDx Variant Classification (06012015). Collection method: clinical testing. Allele origin: germline. Affected: yes.
Comment: This variant is considered likely benign or benign based on one or more of the following criteria: it is a conservative change, it occurs at a poorly conserved position in the protein, it is predicted to be benign by multiple in silico algorithms, and/or has population frequency not consistent with disease.

NM_002294.3(LAMP2):c.557-251G>T

Gene: LAMP2 (lysosomal associated membrane protein 2; minus strand). Cytogenetic location: Xq24.
Variant type: single nucleotide variant.
Coding change: c.557-251G>T on transcript NM_002294.3 (MANE Select); 251 bases into the intron before coding-DNA position 557, G replaced by T.
Molecular consequence: intron variant.
Genome position (GRCh38, 1-based): chrX:120,448,276, C>A on the plus strand (G>T on the coding strand, the complement: LAMP2 is on the minus strand). VCF-style: chrX-120448276-C-A. GRCh37 (hg19) VCF-style: chrX-119582131-C-A.
Other names: c.557-251G>T (NM_013995.2, NM_001122606.1).
Identifiers: ClinVar variation 670024 (VCV000670024.1), dbSNP rs148242561, ClinGen allele CA335013534.